The following is an entry in ClinVar:

ClinVar aggregate classification (germline): Conflicting classifications of pathogenicity. Review status: criteria provided, conflicting classifications (1 of 4 stars). 6 submissions from 6 submitters: Uncertain significance (5); Likely benign (1). Last evaluated 2025-12-01.

Conditions:
Dilated cardiomyopathy 1II (CMD1II). Identifiers: Orphanet 154, MedGen C3554649, MONDO:0014073, OMIM 615184.
Cataract 16 multiple types. Also called: CATARACT 16, POSTERIOR POLAR; CATARACT 16, CONGENITAL LAMELLAR; CATARACT, CONGENITAL LAMELLAR. Identifiers: Orphanet 91492, Orphanet 98992, Orphanet 98993, Orphanet 98995, MedGen C3808377, MONDO:0013411, OMIM 613763.
Cardiovascular phenotype. Identifiers: MedGen CN230736.

Allele frequency attached by ClinVar (database versions not stated): gnomAD exomes 0.00002; TOPMed 0.00002; gnomAD 0.00003 and 0.00004; ExAC 0.00004.
gnomAD v4.1: 39 of 1,598,882 alleles (0.0024%); highest among the groups gnomAD compares: East Asian, 0.0045%; no homozygotes.

Submissions (6):

Women's Health and Genetics/Laboratory Corporation of America, LabCorp
Classification: Uncertain significance. Last evaluated: 2025-12-01. Review status: criteria provided, single submitter. Criteria: LabCorp Variant Classification Summary - May 2015. Collection method: clinical testing. Allele origin: germline.
Comment: Variant summary: CRYAB c.32G>A (p.Arg11His) results in a non-conservative amino acid change located in the Alpha-crystallin, N-terminal domain (IPR003090) of the encoded protein sequence. Algorithms developed to predict the effect of missense changes on protein structure and function all suggest that this variant is likely to be disruptive. The variant allele was found at a frequency of 1.8e-05 in 219102 control chromosomes. c.32G>A has been observed in individuals affected with autosomal dominant Cataract 16 and was shown to segregate with disease in one family (Chen_2009) and in one individual with cardiomyopathywithout co-segregation data (Lunke_2020). These data indicate that the variant may be associated with disease. At least two publications report experimental evidence evaluating an impact on protein function and show that the variant leads to an increased number of cells with protein aggregates, although conflicting findings were reported on the effect of the variant on enhancing apoptosis (Chen_2010, Raju_2012). These studies therefore do not allow convincing conclusions about the variant effect on protein function. The following publications have been ascertained in the context of this evaluation (PMID: 21087083, 19597569, 32573669, 23194663). ClinVar contains an entry for this variant (Variation ID: 870393). Based on the evidence outlined above, the variant was classified as VUS-possibly pathogenic.

Labcorp Genetics (formerly Invitae), Labcorp
Classification: Uncertain significance for Dilated cardiomyopathy 1II. Last evaluated: 2025-06-24. Review status: criteria provided, single submitter. Criteria: Invitae Variant Classification Sherloc (09022015). Collection method: clinical testing. Allele origin: germline.
Comment: This sequence change replaces arginine, which is basic and polar, with histidine, which is basic and polar, at codon 11 of the CRYAB protein (p.Arg11His). The frequency data for this variant in the population databases is considered unreliable, as metrics indicate poor data quality at this position in the gnomAD database. This missense change has been observed in individual(s) with cataracts and/or dilated cardiomyopathy (PMID: 19597569, 32573669). It has also been observed to segregate with disease in related individuals. ClinVar contains an entry for this variant (Variation ID: 870393). An algorithm developed to predict the effect of missense changes on protein structure and function (PolyPhen-2) suggests that this variant is likely to be disruptive. Experimental studies are conflicting or provide insufficient evidence to determine the effect of this variant on CRYAB function (PMID: 21087083, 23194663, 26961874). Algorithms developed to predict the effect of sequence changes on RNA splicing suggest that this variant may create or strengthen a splice site. This variant disrupts the p.Arg11 amino acid residue in CRYAB. Other variant(s) that disrupt this residue have been observed in individuals with CRYAB-related conditions (PMID: 26402864), which suggests that this may be a clinically significant amino acid residue. In summary, the available evidence is currently insufficient to determine the role of this variant in disease. Therefore, it has been classified as a Variant of Uncertain Significance.

Ambry Genetics
Classification: Uncertain significance for Cardiovascular phenotype. Last evaluated: 2025-02-05. Review status: criteria provided, single submitter. Criteria: Ambry Variant Classification Scheme 2023. Collection method: clinical testing. Allele origin: germline.
Comment: The p.R11H variant (also known as c.32G>A), located in coding exon 1 of the CRYAB gene, results from a G to A substitution at nucleotide position 32. The arginine at codon 11 is replaced by histidine, an amino acid with highly similar properties. This variant segregated with congenital cataract phenotype in one family, and has been detected in an infant with dilated cardiomyopathy (Chen Q et al. Mol Vis, 2009 Jul;15:1359-65; Lunke, S et al. JAMA. 2020 Jun;323(24):2503-2511). Functional studies of this variant indicate it may impact protein function; however, some results are conflicting and the physiological relevance of the findings is unclear (Chen Q et al. Biol Chem, 2010 Dec;391:1391-400; Raju I et al. Biochem Biophys Res Commun, 2013 Jan;430:107-12; Muranova LK et al. Exp Eye Res, 2020 Aug;197:108091). This amino acid position is highly conserved in available vertebrate species. In addition, this alteration is predicted to be deleterious by in silico analysis. Since supporting evidence is limited at this time, the clinical significance of this alteration remains unclear.

Blueprint Genetics
Classification: Likely benign. Last evaluated: 2023-04-14. Review status: criteria provided, single submitter. Criteria: ACMG Guidelines, 2015. Collection method: clinical testing. Allele origin: germline.

Victorian Clinical Genetics Services, Murdoch Childrens Research Institute
Classification: Uncertain significance for Cataract 16 multiple types. Last evaluated: 2022-06-24. Review status: criteria provided, single submitter. Criteria: ACMG Guidelines, 2015. Collection method: clinical testing. Allele origin: germline. Inheritance: Autosomal dominant inheritance.
Comment: Based on the classification scheme VCGS_Germline_v1.3.4, this variant is classified as VUS-3A. Following criteria are met: 0104 - Dominant negative is a known mechanism of disease in this gene and is associated with dominant cataracts (MIM#613763) (PMID: 31239701, 16505043). LoF is a speculated mechanism for other conditions (DECIPHER). (I) 0108 - This gene is associated with both recessive and dominant disease. This gene is associated with both dominant and recessive cataract 16, multiple types (MIM#613763) and dominant myofibrillar myopathy 2 (MIM#608810). (I) 0200 - Variant is predicted to result in a missense amino acid change from arginine to histidine. (I) 0251 - This variant is heterozygous. (I) 0302 - Variant is present in gnomAD (v3) <0.001 for a condition (8 heterozygotes, 0 homozygotes). (SP) 0309 - Two alternative amino acid changes at the same position have been observed in gnomAD (v2) (highest allele: 7 heterozygotes, 0 homozygotes). (I) 0501 - Missense variant consistently predicted to be damaging by two in silico tools and highly conserved with a minor amino acid change. (SP) 0600 - Variant is located in the annotated Crystallin domain (DECIPHER). (I) 0705 - No comparable missense variants have previous evidence for pathogenicity. (I) 0803 - This variant has limited previous evidence of pathogenicity in one family with autosomal dominant congenital nuclear cataract (PMID: 19597569). This variant has been listed as a VUS in a hypertrophic cardiomyopathy cohort (PMID: 30531895). This variant has also been reported as likely pathogenic and VUS in ClinVar. (SP) 0903 - This variant has limited evidence for segregation with disease in one family with autosomal dominant congenital nuclear cataract (PMID: 19597569). (SP) 1010 - Functional evidence for this variant is inconclusive. Functional studies showed the mutant protein altered protein structure and activity, promoted apoptosis (PMID: 21087083), showed moderate number of cells with aggregates (PMID: 23194663) and formed smaller oligomers than WT protein (PMID: 32533979). However, mutant protein did not affect the capability of alphaB-crystalllin in enhacing the sodium current density (PMID: 26961874). (I) 1208 - Inheritance information for this variant is not currently available in this individual. (I) Legend: (SP) - Supporting pathogenic, (I) - Information, (SB) - Supporting benign

AiLife Diagnostics
Classification: Uncertain significance. Last evaluated: 2021-11-20. Review status: criteria provided, single submitter. Criteria: ACMG Guidelines, 2015. Collection method: clinical testing. Allele origin: germline. Affected: yes. Observed: 1 variant allele.

Literature cited by the submitters: PubMed 32573669 (cited by 4 submitters); PubMed 21087083 (cited by 5 submitters); PubMed 19597569 (cited by 5 submitters); PubMed 23194663 (cited by 5 submitters); PubMed 26961874 (cited by Labcorp Genetics (formerly Invitae), Labcorp and Victorian Clinical Genetics Services, Murdoch Childrens Research Institute); PubMed 26402864 (cited by Labcorp Genetics (formerly Invitae), Labcorp); PubMed 32533979 (cited by Ambry Genetics and Victorian Clinical Genetics Services, Murdoch Childrens Research Institute); PubMed 16505043 (cited by Victorian Clinical Genetics Services, Murdoch Childrens Research Institute); PubMed 30531895 (cited by Victorian Clinical Genetics Services, Murdoch Childrens Research Institute); PubMed 31239701 (cited by Victorian Clinical Genetics Services, Murdoch Childrens Research Institute).

NM_001289808.2(CRYAB):c.32G>A (p.Arg11His)

Gene: CRYAB (crystallin alpha B; minus strand). Cytogenetic location: 11q23.1.
Variant type: single nucleotide variant.
Coding change: c.32G>A on transcript NM_001289808.2 (MANE Select); coding-DNA position 32, G replaced by A.
Protein change: p.Arg11His; replaces arginine 11 with histidine.
Molecular consequence: missense variant.
Genome position (GRCh38, 1-based): chr11:111,911,693, C>T on the plus strand (G>A on the coding strand, the complement: CRYAB is on the minus strand). VCF-style: chr11-111911693-C-T. GRCh37 (hg19) VCF-style: chr11-111782417-C-T.
Other names: c.32G>A (NM_001885.2); c.32G>A, p.Arg11His (NM_001289807.1, NM_001368245.1, NM_001885.3); short protein forms R11H.
Identifiers: ClinVar variation 870393 (VCV000870393.20), dbSNP rs782809283, ClinGen allele CA6275586.